The following is an entry in ClinVar:

NM_000719.7(CACNA1C):c.1853T>C (p.Val618Ala)

Gene: CACNA1C (calcium voltage-gated channel subunit alpha1 C; plus strand). Cytogenetic location: 12p13.33.
Variant type: single nucleotide variant.
Coding change: c.1853T>C on transcript NM_000719.7 (MANE Select); coding-DNA position 1853, T replaced by C.
Protein change: p.Val618Ala; replaces valine 618 with alanine.
Molecular consequence: missense variant.
Genome position (GRCh38, 1-based): chr12:2,567,752, T>C. VCF-style: chr12-2567752-T-C. GRCh37 (hg19) VCF-style: chr12-2676918-T-C.
Other names: c.1853T>C, p.Val618Ala (NM_001129827.2, NM_001129829.2, NM_001129830.3 and 18 more transcripts); c.1844T>C, p.Val615Ala (NM_001129844.2); short protein forms V615A, V618A.
Identifiers: ClinVar variation 5001732 (VCV005001732.1).

ClinVar aggregate classification (germline): Likely pathogenic (1 of 4 stars; one submission).

Conditions:
CACNA1C-related disorder. Also called: CACNA1C-related condition; CACNA1C-related disorders. Identifiers: MedGen CN381092, MONDO:0700321.

Submission:

PreventionGenetics, part of Exact Sciences
Classification: Likely pathogenic for CACNA1C-related condition. Last evaluated: 2025-04-22. Review status: criteria provided, single submitter. Criteria: ACMG Guidelines, 2015. Collection method: clinical testing. Allele origin: germline.
Comment: The CACNA1C c.1853T>C variant is predicted to result in the amino acid substitution p.Val618Ala. This variant has been reported as a de novo variant in a cohort of individuals with neurodevelopmental disorders (Table S4, Hamanaka et al. 2022. PubMed ID: 35468861). This variant has not been reported in a large population database (gnomAD), indicating this variant is rare. This variant is interpreted as likely pathogenic.